The following is an entry in ClinVar:

ClinVar aggregate classification (germline): Pathogenic. Review status: criteria provided, multiple submitters, no conflicts (2 of 4 stars). 4 submissions from 4 submitters: Pathogenic (3). 1 of the submissions does not count toward it. Last evaluated 2025-11-05.

Conditions:
BEST1-related disorder. Also called: BEST1-related disorders; BEST1-related condition. Identifiers: MedGen CN239200.

Submissions (4):

GeneDx
Classification: Pathogenic. Last evaluated: 2025-11-05. Review status: criteria provided, single submitter. Criteria: GeneDx Variant Classification Process June 2021. Collection method: clinical testing. Allele origin: germline. Affected: yes.
Comment: Published functional studies demonstrate a damaging effect with a considerably smaller whole-cell current in comparison to wild-type (PMID: 11904445); Not observed at significant frequency in large population cohorts (gnomAD); In silico analysis supports that this missense variant has a deleterious effect on protein structure/function; This variant is associated with the following publications: (PMID: 19375515, 10331951, 10798642, 31519547, 36512348, 36729443, 11904445)

Labcorp Genetics (formerly Invitae), Labcorp
Classification: Pathogenic. Last evaluated: 2024-12-24. Review status: criteria provided, single submitter. Criteria: Invitae Variant Classification Sherloc (09022015). Collection method: clinical testing. Allele origin: germline.
Comment: This sequence change replaces threonine, which is neutral and polar, with isoleucine, which is neutral and non-polar, at codon 307 of the BEST1 protein (p.Thr307Ile). This variant is not present in population databases (gnomAD no frequency). This missense change has been observed in individuals with autosomal dominant Best vitreovitelliform macular dystrophy (PMID: 10331951, 10798642, 12565808). It has also been observed to segregate with disease in related individuals. ClinVar contains an entry for this variant (Variation ID: 99782). Invitae Evidence Modeling of protein sequence and biophysical properties (such as structural, functional, and spatial information, amino acid conservation, physicochemical variation, residue mobility, and thermodynamic stability) indicates that this missense variant is expected to disrupt BEST1 protein function with a positive predictive value of 95%. Experimental studies have shown that this missense change affects BEST1 function (PMID: 11904445, 19375515). This variant disrupts the p.Thr307 amino acid residue in BEST1. Other variant(s) that disrupt this residue have been observed in individuals with BEST1-related conditions (PMID: 10798642, 27078032), which suggests that this may be a clinically significant amino acid residue. For these reasons, this variant has been classified as Pathogenic.

Blueprint Genetics
Classification: Pathogenic for BEST1-related disorders. Last evaluated: 2022-12-08. Review status: criteria provided, single submitter. Criteria: ACMG Guidelines, 2015. Collection method: clinical testing. Allele origin: germline. Affected: yes. Observed: 5 variant alleles.

Retina International
No classification provided. Review status: no classification provided. Collection method: not provided. Allele origin: not provided. Not counted in ClinVar's aggregate classification.

Literature cited by the submitters: PubMed 10331951 (cited by Labcorp Genetics (formerly Invitae), Labcorp); PubMed 10798642 (cited by Labcorp Genetics (formerly Invitae), Labcorp); PubMed 12565808 (cited by Labcorp Genetics (formerly Invitae), Labcorp); PubMed 11904445 (cited by Labcorp Genetics (formerly Invitae), Labcorp); PubMed 19375515 (cited by Labcorp Genetics (formerly Invitae), Labcorp); PubMed 27078032 (cited by Labcorp Genetics (formerly Invitae), Labcorp).

NM_004183.4(BEST1):c.920C>T (p.Thr307Ile)

Gene: BEST1 (bestrophin 1; plus strand). Cytogenetic location: 11q12.3.
Variant type: single nucleotide variant.
Coding change: c.920C>T on transcript NM_004183.4 (MANE Select); coding-DNA position 920, C replaced by T.
Protein change: p.Thr307Ile; replaces threonine 307 with isoleucine.
Molecular consequence: missense variant. On other transcripts: non-coding transcript variant (1), intron variant (1).
Genome position (GRCh38, 1-based): chr11:61,959,550, C>T. VCF-style: chr11-61959550-C-T. GRCh37 (hg19) VCF-style: chr11-61727022-C-T.
Other names: c.740C>T, p.Thr247Ile (NM_001139443.3, NM_001300787.2); c.602C>T, p.Thr201Ile (NM_001363591.3); c.1123C>T, p.Pro375Ser (NM_001363592.2); c.-53C>T (NM_001363593.3); c.688-342C>T (NM_001300786.2); short protein forms T307I, P375S, T247I, T201I.
Identifiers: ClinVar variation 99782 (VCV000099782.14), dbSNP rs281865269, ClinGen allele CA227854.
Genomic context (GRCh38, chr11:61,959,550, plus strand): 5'-TCCCCAAGGTGGCAGAGCAGCTCATCAACCCCTTTGGAGAGGATGATGATGATTTTGAGA[C>T]CAACTGGATTGTCGACAGGAATTTGCAGGTATGGGGAGAGGGAGAGAAACCATACCATGG-3'
Protein context (NP_004174.1, residues 297-317): PFGEDDDDFE[Thr307Ile]NWIVDRNLQV